The following is an entry in ClinVar:

NM_000179.3(MSH6):c.2003C>G (p.Ser668Cys)

Gene: MSH6 (mutS homolog 6; plus strand). Cytogenetic location: 2p16.3.
Variant type: single nucleotide variant.
Coding change: c.2003C>G on transcript NM_000179.3 (MANE Select); coding-DNA position 2003, C replaced by G.
Protein change: p.Ser668Cys; replaces serine 668 with cysteine.
Molecular consequence: missense variant.
Genome position (GRCh38, 1-based): chr2:47,799,986, C>G. VCF-style: chr2-47799986-C-G. GRCh37 (hg19) VCF-style: chr2-48027125-C-G.
Other names: c.1613C>G, p.Ser538Cys (NM_001281492.2); c.1097C>G, p.Ser366Cys (NM_001281493.2, NM_001281494.2, NM_001406811.1 and 6 more transcripts); c.2099C>G, p.Ser700Cys (NM_001406795.1, NM_001406802.1); c.2003C>G, p.Ser668Cys (NM_001406796.1, NM_001406798.1, NM_001406800.1 and 3 more transcripts); c.1706C>G, p.Ser569Cys (NM_001406797.1, NM_001406801.1, NM_001406805.1 and 10 more transcripts); c.1478C>G, p.Ser493Cys (NM_001406799.1, NM_001406806.1, NM_001406807.1); c.1925C>G, p.Ser642Cys (NM_001406804.1); c.2009C>G, p.Ser670Cys (NM_001406813.1); and 1 more; short protein forms S366C, S642C, S493C, S569C, S670C, S612C, S668C, S538C.
Identifiers: ClinVar variation 1784279 (VCV001784279.5), dbSNP rs923709484, ClinGen allele CA346750671.

ClinVar aggregate classification (germline): Uncertain significance. Review status: criteria provided, multiple submitters, no conflicts (2 of 4 stars). 3 submissions from 3 submitters: Uncertain significance (3). Last evaluated 2024-04-24.

Conditions:
Hereditary nonpolyposis colorectal neoplasms. Identifiers: MedGen C0009405, MeSH D003123.
Hereditary cancer-predisposing syndrome. Also called: Neoplastic Syndromes, Hereditary; Tumor predisposition; Hereditary Cancer Syndrome; Hereditary neoplastic syndrome. Identifiers: Orphanet 140162, MedGen C0027672, MeSH D009386, MONDO:0015356.
Lynch syndrome. Identifiers: Orphanet 144, MedGen C4552100, MONDO:0005835. Disease mechanism: loss of function.

Submissions (3):

Labcorp Genetics (formerly Invitae), Labcorp
Classification: Uncertain significance for Hereditary nonpolyposis colorectal neoplasms. Last evaluated: 2024-04-24. Review status: criteria provided, single submitter. Criteria: Invitae Variant Classification Sherloc (09022015). Collection method: clinical testing. Allele origin: germline.
Comment: This sequence change replaces serine, which is neutral and polar, with cysteine, which is neutral and slightly polar, at codon 668 of the MSH6 protein (p.Ser668Cys). This variant is not present in population databases (gnomAD no frequency). This variant has not been reported in the literature in individuals affected with MSH6-related conditions. ClinVar contains an entry for this variant (Variation ID: 1784279). Advanced modeling of protein sequence and biophysical properties (such as structural, functional, and spatial information, amino acid conservation, physicochemical variation, residue mobility, and thermodynamic stability) performed at Invitae indicates that this missense variant is not expected to disrupt MSH6 protein function with a negative predictive value of 95%. In summary, the available evidence is currently insufficient to determine the role of this variant in disease. Therefore, it has been classified as a Variant of Uncertain Significance.

All of Us Research Program, National Institutes of Health
Classification: Uncertain significance for Lynch syndrome. Last evaluated: 2024-01-11. Review status: criteria provided, single submitter. Criteria: ACMG Guidelines, 2015. Collection method: clinical testing. Allele origin: germline. Inheritance: Autosomal dominant inheritance. Observed: 1 variant allele, 1 heterozygote.
Comment: This study involves interpretation of variants in research participants for the purpose of population health screening. Participant phenotype was not available at the time of variant classification. Additional details can be found in publication PMID: 35346344, PMCID: PMC8962531

Ambry Genetics
Classification: Uncertain significance for Hereditary cancer-predisposing syndrome. Last evaluated: 2021-11-01. Review status: criteria provided, single submitter. Criteria: Ambry Variant Classification Scheme 2023. Collection method: clinical testing. Allele origin: germline.
Comment: The p.S668C variant (also known as c.2003C>G), located in coding exon 4 of the MSH6 gene, results from a C to G substitution at nucleotide position 2003. The serine at codon 668 is replaced by cysteine, an amino acid with dissimilar properties. This amino acid position is well conserved in available vertebrate species. In addition, the in silico prediction for this alteration is inconclusive. Since supporting evidence is limited at this time, the clinical significance of this alteration remains unclear.